The following is an entry in ClinVar:

ClinVar aggregate classification (germline): Uncertain significance (1 of 4 stars; one submission).

Allele frequency attached by ClinVar (database versions not stated): gnomAD exomes below 0.00001; gnomAD 0.00001; TOPMed 0.00001.
gnomAD v4.1: 2 of 1,611,842 alleles (0.00012%); highest among the groups gnomAD compares: African/African-American, 0.0013%; no homozygotes.

Submission:

Labcorp Genetics (formerly Invitae), Labcorp
Classification: Uncertain significance. Last evaluated: 2022-05-22. Review status: criteria provided, single submitter. Criteria: Invitae Variant Classification Sherloc (09022015). Collection method: clinical testing. Allele origin: germline.
Comment: This sequence change replaces lysine, which is basic and polar, with glutamic acid, which is acidic and polar, at codon 44 of the DTNBP1 protein (p.Lys44Glu). This variant is present in population databases (no rsID available, gnomAD 0.01%). This variant has not been reported in the literature in individuals affected with DTNBP1-related conditions. Algorithms developed to predict the effect of missense changes on protein structure and function (SIFT, PolyPhen-2, Align-GVGD) all suggest that this variant is likely to be tolerated. Algorithms developed to predict the effect of sequence changes on RNA splicing suggest that this variant may create or strengthen a splice site. In summary, the available evidence is currently insufficient to determine the role of this variant in disease. Therefore, it has been classified as a Variant of Uncertain Significance.

NM_032122.5(DTNBP1):c.130A>G (p.Lys44Glu)

Gene: DTNBP1 (dystrobrevin binding protein 1; minus strand). Cytogenetic location: 6p22.3.
Variant type: single nucleotide variant.
Coding change: c.130A>G on transcript NM_032122.5 (MANE Select); coding-DNA position 130, A replaced by G.
Protein change: p.Lys44Glu; replaces lysine 44 with glutamic acid.
Molecular consequence: missense variant. On other transcripts: 5 prime UTR variant (1), non-coding transcript variant (1), intron variant (2).
Genome position (GRCh38, 1-based): chr6:15,651,344, T>C on the plus strand (A>G on the coding strand, the complement: DTNBP1 is on the minus strand). VCF-style: chr6-15651344-T-C. GRCh37 (hg19) VCF-style: chr6-15651575-T-C.
Other names: c.-114A>G (NM_001271667.2); c.130A>G, p.Lys44Glu (NM_183040.2); c.56+11470A>G (NM_001271669.2); c.110+743A>G (NM_001271668.2); short protein forms K44E.
Identifiers: ClinVar variation 1433509 (VCV001433509.8), dbSNP rs1422270994, ClinGen allele CA362869727.
Genomic context (GRCh38, chr6:15,651,344, plus strand): 5'-TAACCTTCCTCTACAAATGAAACACTTACCTGCTAAGTAATTCTAATCCAGCAGAGTACT[T>C]TGGCAAAAATGGAACAGTCCTGCCCAAAAGAAACACTTATTAAAACTGTTCTTGATTTAG-3'
Protein context (NP_115498.2, residues 34-54): SKPRTVPFLP[Lys44Glu]YSAGLELLSR